The following is an entry in ClinVar:

ClinVar aggregate classification (germline): Uncertain significance (1 of 4 stars; one submission).

gnomAD v4.1: 2 of 1,612,724 alleles (0.00012%); highest among the groups gnomAD compares: African/African-American, 0.0013%; no homozygotes.

Submission:

Labcorp Genetics (formerly Invitae), Labcorp
Classification: Uncertain significance. Last evaluated: 2025-12-03. Review status: criteria provided, single submitter. Criteria: Invitae Variant Classification Sherloc (09022015). Collection method: clinical testing. Allele origin: germline.
Comment: This sequence change replaces proline, which is neutral and non-polar, with leucine, which is neutral and non-polar, at codon 2418 of the COL7A1 protein (p.Pro2418Leu). This variant is present in population databases (no rsID available, gnomAD 0.004%). This variant has not been reported in the literature in individuals affected with COL7A1-related conditions. Invitae Evidence Modeling of protein sequence and biophysical properties (such as structural, functional, and spatial information, amino acid conservation, physicochemical variation, residue mobility, and thermodynamic stability) has been performed for this missense variant. However, the output from this modeling did not meet the statistical confidence thresholds required to predict the impact of this variant on COL7A1 protein function. In summary, the available evidence is currently insufficient to determine the role of this variant in disease. Therefore, it has been classified as a Variant of Uncertain Significance.

NM_000094.4(COL7A1):c.7253C>T (p.Pro2418Leu)

Gene: COL7A1 (collagen type VII alpha 1 chain; minus strand). Cytogenetic location: 3p21.31.
Variant type: single nucleotide variant.
Coding change: c.7253C>T on transcript NM_000094.4 (MANE Select); coding-DNA position 7253, C replaced by T.
Protein change: p.Pro2418Leu; replaces proline 2418 with leucine.
Molecular consequence: missense variant.
Genome position (GRCh38, 1-based): chr3:48,570,880, G>A on the plus strand (C>T on the coding strand, the complement: COL7A1 is on the minus strand). VCF-style: chr3-48570880-G-A. GRCh37 (hg19) VCF-style: chr3-48608313-G-A.
Other names: short protein forms P2418L.
Identifiers: ClinVar variation 4693075 (VCV004693075.1).